The following is an entry in ClinVar:

NM_005762.3(TRIM28):c.418A>G (p.Ser140Gly)

Gene: TRIM28 (tripartite motif containing 28; plus strand). Cytogenetic location: 19q13.43.
Variant type: single nucleotide variant.
Coding change: c.418A>G on transcript NM_005762.3 (MANE Select); coding-DNA position 418, A replaced by G.
Protein change: p.Ser140Gly; replaces serine 140 with glycine.
Molecular consequence: missense variant.
Genome position (GRCh38, 1-based): chr19:58,545,502, A>G. VCF-style: chr19-58545502-A-G. GRCh37 (hg19) VCF-style: chr19-59056869-A-G.
Other names: short protein forms S140G.
Identifiers: ClinVar variation 3632959 (VCV003632959.2).

ClinVar aggregate classification (germline): Uncertain significance (1 of 4 stars; one submission).

gnomAD v4.1: 10 of 1,611,366 alleles (0.00062%); highest among the groups gnomAD compares: Admixed American, 0.017%; no homozygotes.

Submission:

Labcorp Genetics (formerly Invitae), Labcorp
Classification: Uncertain significance. Last evaluated: 2024-12-03. Review status: criteria provided, single submitter. Criteria: Invitae Variant Classification Sherloc (09022015). Collection method: clinical testing. Allele origin: germline.
Comment: This sequence change replaces serine, which is neutral and polar, with glycine, which is neutral and non-polar, at codon 140 of the TRIM28 protein (p.Ser140Gly). This variant is present in population databases (rs758808746, gnomAD 0.03%). This variant has not been reported in the literature in individuals affected with TRIM28-related conditions. Experimental studies and prediction algorithms are not available or were not evaluated, and the functional significance of this variant is currently unknown. In summary, the available evidence is currently insufficient to determine the role of this variant in disease. Therefore, it has been classified as a Variant of Uncertain Significance.